The following is an entry in ClinVar:

NM_006949.4(STXBP2):c.515T>C (p.Leu172Pro)

Gene: STXBP2 (syntaxin binding protein 2; plus strand). Cytogenetic location: 19p13.2.
Variant type: single nucleotide variant.
Coding change: c.515T>C on transcript NM_006949.4 (MANE Select); coding-DNA position 515, T replaced by C.
Protein change: p.Leu172Pro; replaces leucine 172 with proline.
Molecular consequence: missense variant. On other transcripts: non-coding transcript variant (1).
Genome position (GRCh38, 1-based): chr19:7,641,790, T>C. VCF-style: chr19-7641790-T-C. GRCh37 (hg19) VCF-style: chr19-7706676-T-C.
Other names: c.506T>C, p.Leu169Pro (NM_001127396.3); c.548T>C, p.Leu183Pro (NM_001272034.2); short protein forms L183P, L169P, L172P.
Identifiers: ClinVar variation 1500211 (VCV001500211.8), dbSNP rs2146216023, ClinGen allele CA403158384.

ClinVar aggregate classification (germline): Uncertain significance (1 of 4 stars; one submission).

Conditions:
Familial hemophagocytic lymphohistiocytosis 5. Also called: STXBP2-Related Familial Hemophagocytic Lymphohistiocytosis (STXBP2-fHLH). Identifiers: Orphanet 540, MedGen C2751293, MONDO:0013135, OMIM 613101.

Submission:

Labcorp Genetics (formerly Invitae), Labcorp
Classification: Uncertain significance for Familial hemophagocytic lymphohistiocytosis 5. Last evaluated: 2021-01-04. Review status: criteria provided, single submitter. Criteria: Invitae Variant Classification Sherloc (09022015). Collection method: clinical testing. Allele origin: germline.
Comment: In summary, the available evidence is currently insufficient to determine the role of this variant in disease. Therefore, it has been classified as a Variant of Uncertain Significance. Algorithms developed to predict the effect of missense changes on protein structure and function are either unavailable or do not agree on the potential impact of this missense change (SIFT: "Deleterious"; PolyPhen-2: "Probably Damaging"; Align-GVGD: "Class C0"). This variant has not been reported in the literature in individuals with STXBP2-related conditions. This variant is not present in population databases (ExAC no frequency). This sequence change replaces leucine with proline at codon 172 of the STXBP2 protein (p.Leu172Pro). The leucine residue is moderately conserved and there is a moderate physicochemical difference between leucine and proline.